The following is an entry in ClinVar:

NM_152268.4(PARS2):c.37G>T (p.Ala13Ser)

Gene: PARS2 (prolyl-tRNA synthetase 2, mitochondrial; minus strand). Cytogenetic location: 1p32.3.
Variant type: single nucleotide variant.
Coding change: c.37G>T on transcript NM_152268.4 (MANE Select); coding-DNA position 37, G replaced by T.
Protein change: p.Ala13Ser; replaces alanine 13 with serine.
Molecular consequence: missense variant.
Genome position (GRCh38, 1-based): chr1:54,759,125, C>A on the plus strand (G>T on the coding strand, the complement: PARS2 is on the minus strand). VCF-style: chr1-54759125-C-A. GRCh37 (hg19) VCF-style: chr1-55224798-C-A.
Other names: short protein forms A13S.
Identifiers: ClinVar variation 3774022 (VCV003774022.1).

ClinVar aggregate classification (germline): Uncertain significance (1 of 4 stars; one submission).

gnomAD v4.1: 10 of 1,607,630 alleles (0.00062%); highest among the groups gnomAD compares: African/African-American, 0.004%; no homozygotes.

Submission:

GeneDx
Classification: Uncertain significance. Last evaluated: 2024-09-23. Review status: criteria provided, single submitter. Criteria: GeneDx Variant Classification Process June 2021. Collection method: clinical testing. Allele origin: germline. Affected: yes.
Comment: Has not been previously published as pathogenic or benign to our knowledge; Not observed at significant frequency in large population cohorts (gnomAD); In silico analysis indicates that this missense variant does not alter protein structure/function